The following is an entry in ClinVar:

NM_000090.4(COL3A1):c.1676A>T (p.Glu559Val)

Gene: COL3A1 (collagen type III alpha 1 chain; plus strand). Cytogenetic location: 2q32.2.
Variant type: single nucleotide variant.
Coding change: c.1676A>T on transcript NM_000090.4 (MANE Select); coding-DNA position 1676, A replaced by T.
Protein change: p.Glu559Val; replaces glutamic acid 559 with valine.
Molecular consequence: missense variant.
Genome position (GRCh38, 1-based): chr2:188,996,411, A>T. VCF-style: chr2-188996411-A-T. GRCh37 (hg19) VCF-style: chr2-189861137-A-T.
Other names: short protein forms E559V.
Identifiers: ClinVar variation 1777793 (VCV001777793.6), dbSNP rs794728047, ClinGen allele CA349852592.
Genomic context (GRCh38, chr2:188,996,411, plus strand): 5'-AATCTTCTCTTTATCAAACCTTTATTAATGTAATTTTTTCTTATTAGGGAAGTCAAGGAG[A>T]AAGTGGTCGACCAGGTCCTCCTGGGCCATCTGGTCCCCGAGGTCAGCCTGGTGTCATGGG-3'
Protein context (NP_000081.2, residues 549-569): GKPGPPGSQG[Glu559Val]SGRPGPPGPS

ClinVar aggregate classification (germline): Uncertain significance. Review status: criteria provided, multiple submitters, no conflicts (2 of 4 stars). 3 submissions from 3 submitters: Uncertain significance (3). Last evaluated 2024-02-08.

Conditions:
Ehlers-Danlos syndrome, type 4 (EDSVASC). Also called: Ehlers-Danlos syndrome vascular type; Ehlers Danlos syndrome, ecchymotic type; Ehlers Danlos syndrome, arterial type; Ehlers Danlos syndrome, Sack-Barabas type; Ehlers-Danlos Syndrome Type IV. Identifiers: Orphanet 286, MedGen C0268338, MONDO:0017314, OMIM 130050.
Polymicrogyria with or without vascular-type Ehlers-Danlos syndrome. Identifiers: Orphanet 636941, MedGen C5193040, MONDO:0032688, OMIM 618343.
Familial thoracic aortic aneurysm and aortic dissection (TAAD). Also called: Thoracic aortic aneurysms and dissections. Identifiers: Orphanet 91387, MedGen C4707243, MONDO:0019625.

Allele frequency attached by ClinVar (database versions not stated): TOPMed below 0.00001; gnomAD 0.00001.

Submissions (3):

Fulgent Genetics
Classification: Uncertain significance for Ehlers-Danlos syndrome, type 4; Polymicrogyria with or without vascular-type Ehlers-Danlos syndrome. Last evaluated: 2024-02-08. Review status: criteria provided, single submitter. Criteria: ACMG Guidelines, 2015. Collection method: clinical testing. Allele origin: germline.

Ambry Genetics
Classification: Uncertain significance for Familial thoracic aortic aneurysm and aortic dissection. Last evaluated: 2022-08-03. Review status: criteria provided, single submitter. Criteria: Ambry Variant Classification Scheme 2023. Collection method: clinical testing. Allele origin: germline.
Comment: The p.E559V variant (also known as c.1676A>T), located in coding exon 24 of the COL3A1 gene, results from an A to T substitution at nucleotide position 1676. The glutamic acid at codon 559 is replaced by valine, an amino acid with dissimilar properties. This amino acid position is not well conserved in available vertebrate species. In addition, the in silico prediction for this alteration is inconclusive. Since supporting evidence is limited at this time, the clinical significance of this alteration remains unclear.

Revvity Omics, Revvity
Classification: Uncertain significance. Last evaluated: 2021-01-28. Review status: criteria provided, single submitter. Criteria: ACMG Guidelines, 2015. Collection method: clinical testing. Allele origin: germline.